The following is an entry in ClinVar:

NM_145059.3(FCSK):c.3043C>A (p.His1015Asn)

Gene: FCSK (fucose kinase; plus strand). Cytogenetic location: 16q22.1.
Variant type: single nucleotide variant.
Coding change: c.3043C>A on transcript NM_145059.3 (MANE Select); coding-DNA position 3043, C replaced by A.
Protein change: p.His1015Asn; replaces histidine 1015 with asparagine.
Molecular consequence: missense variant.
Genome position (GRCh38, 1-based): chr16:70,479,293, C>A. VCF-style: chr16-70479293-C-A. GRCh37 (hg19) VCF-style: chr16-70513196-C-A.
Other names: c.3043C>A (NM_145059.2); short protein forms H1015N.
Identifiers: ClinVar variation 2080592 (VCV002080592.6), dbSNP rs191210378, ClinGen allele CA8143857.

ClinVar aggregate classification (germline): Conflicting classifications of pathogenicity. Review status: criteria provided, conflicting classifications (1 of 4 stars). 3 submissions from 3 submitters: Uncertain significance (2); Likely benign (1). Last evaluated 2026-05-13.

Conditions:
Congenital disorder of glycosylation with defective fucosylation 2 (CDGF2). Identifiers: MedGen C5193028, MONDO:0020777, OMIM 618324.

Allele frequency attached by ClinVar (database versions not stated): 1000 Genomes Project 30x 0.00062; 1000 Genomes Project 0.00060.
gnomAD v4.1: 311 of 1,614,042 alleles (0.019%); highest among the groups gnomAD compares: Admixed American, 0.047%; 3 homozygotes.

Submissions (3):

Centre for Medical Genetics,  Mumbai
Classification: Likely benign for Congenital disorder of glycosylation with defective fucosylation 2. Last evaluated: 2026-05-13. Review status: criteria provided, single submitter. Criteria: ACMG Guidelines, 2015. Collection method: provider interpretation. Allele origin: germline. Inheritance: Autosomal recessive inheritance. Affected: no. Observed: 1 variant allele, 1 homozygote.
Comment: The variant satisfies PM2 criteria - extremely low frequency in gnomAD population databases. The variant satisfies BS2 criteria - was observed in a homozygous state in population databases more than expected for disease. However, the variant satisfies BS2 criteria - present in homozygous state in an individual that clinically does not have Congenital disorder of glycosylation with defective fucosylation.

Labcorp Genetics (formerly Invitae), Labcorp
Classification: Uncertain significance. Last evaluated: 2025-09-03. Review status: criteria provided, single submitter. Criteria: Invitae Variant Classification Sherloc (09022015). Collection method: clinical testing. Allele origin: germline.
Comment: This sequence change replaces histidine, which is basic and polar, with asparagine, which is neutral and polar, at codon 1015 of the FUK protein (p.His1015Asn). This variant is present in population databases (rs191210378, gnomAD 0.03%). This variant has not been reported in the literature in individuals affected with FUK-related conditions. ClinVar contains an entry for this variant (Variation ID: 2080592). An algorithm developed to predict the effect of missense changes on protein structure and function (PolyPhen-2) suggests that this variant is likely to be tolerated. In summary, the available evidence is currently insufficient to determine the role of this variant in disease. Therefore, it has been classified as a Variant of Uncertain Significance.

Ambry Genetics
Classification: Uncertain significance. Last evaluated: 2025-08-20. Review status: criteria provided, single submitter. Criteria: Ambry Variant Classification Scheme 2023. Collection method: clinical testing. Allele origin: germline.

Literature cited by the submitters: PubMed 30503518 (cited by Centre for Medical Genetics,  Mumbai).